The following is an entry in ClinVar:

ClinVar aggregate classification (germline): Likely benign. Review status: criteria provided, multiple submitters, no conflicts (2 of 4 stars). 2 submissions from 2 submitters: Likely benign (2). Last evaluated 2025-12-08.

Conditions:
de Barsy syndrome. Also called: Cutis laxa-corneal clouding-oligophrenia syndrome. Identifiers: Orphanet 2962, MedGen C0268354, MONDO:0017569.
Cutis laxa, autosomal dominant 3 (ADCL3). Identifiers: Orphanet 90348, MedGen C4225268, MONDO:0014706, OMIM 616603.
Autosomal dominant spastic paraplegia type 9. Identifiers: MedGen C1832669, MONDO:0015091.

Allele frequency attached by ClinVar (database versions not stated): ExAC 0.00003; gnomAD 0.00004 and 0.00005; gnomAD exomes 0.00005 and 0.00006; TOPMed 0.00005.
gnomAD v4.1: 94 of 1,614,038 alleles (0.0058%); highest among the groups gnomAD compares: Middle Eastern, 0.016%; no homozygotes.

Submissions (2):

Labcorp Genetics (formerly Invitae), Labcorp
Classification: Likely benign for Autosomal dominant spastic paraplegia type 9; de Barsy syndrome; Cutis laxa, autosomal dominant 3. Last evaluated: 2025-12-08. Review status: criteria provided, single submitter. Criteria: Invitae Variant Classification Sherloc (09022015). Collection method: clinical testing. Allele origin: germline.

GeneDx
Classification: Likely benign. Last evaluated: 2017-07-11. Review status: criteria provided, single submitter. Criteria: GeneDx Variant Classification (06012015). Collection method: clinical testing. Allele origin: germline. Affected: yes.
Comment: This variant is considered likely benign or benign based on one or more of the following criteria: it is a conservative change, it occurs at a poorly conserved position in the protein, it is predicted to be benign by multiple in silico algorithms, and/or has population frequency not consistent with disease.

NM_002860.4(ALDH18A1):c.1078+17A>G

Gene: ALDH18A1 (aldehyde dehydrogenase 18 family member A1; minus strand). Cytogenetic location: 10q24.1.
Variant type: single nucleotide variant.
Coding change: c.1078+17A>G on transcript NM_002860.4 (MANE Select); 17 bases into the intron after coding-DNA position 1078, A replaced by G.
Molecular consequence: intron variant.
Genome position (GRCh38, 1-based): chr10:95,627,425, T>C on the plus strand (A>G on the coding strand, the complement: ALDH18A1 is on the minus strand). VCF-style: chr10-95627425-T-C. GRCh37 (hg19) VCF-style: chr10-97387182-T-C.
Other names: c.442+17A>G (NM_001323419.2); c.745+17A>G (NM_001323412.2, NM_001323416.2); c.973+17A>G (NM_001323417.2); c.1072+17A>G (NM_001017423.2, NM_001323415.2); c.739+17A>G (NM_001323418.2); c.1078+17A>G (NM_001323413.2, NM_001323414.2).
Identifiers: ClinVar variation 510725 (VCV000510725.6), dbSNP rs745857450, ClinGen allele CA5620434.